The following is an entry in ClinVar:

NM_001244008.2(KIF1A):c.5349_5351del (p.Arg1785del)

Gene: KIF1A (kinesin family member 1A; minus strand). Cytogenetic location: 2q37.3.
Variant type: Deletion.
Coding change: c.5349_5351del on transcript NM_001244008.2 (MANE Select); coding-DNA positions 5349 to 5351, 3 bases deleted (AAG; older notation c.5349_5351delAAG).
Protein change: p.Arg1785del; deletes arginine 1785.
Molecular consequence: inframe deletion.
Genome position (GRCh38, 1-based): chr2:240,717,389-240,717,391, CTT deleted on the plus strand (AAG on the coding strand, the reverse complement: KIF1A is on the minus strand); deleting any 3 consecutive bases within chr2:240,717,389-240,717,393 gives the same sequence; the c. name uses the placement nearest the transcript's 3' end. VCF-style (leftmost placement, unchanged base first): chr2-240717388-CCTT-C. GRCh37 (hg19) VCF-style: chr2-241656805-CCTT-C.
Other names: c.5073_5075del, p.Arg1693del (NM_001320705.2, NM_001379649.1); c.5100_5102del, p.Arg1702del (NM_001330289.2); c.5148_5150del, p.Arg1718del (NM_001330290.2, NM_001379648.1); c.5424_5426del, p.Arg1810del (NM_001379631.1); c.5325_5327del, p.Arg1777del (NM_001379632.1); c.5322_5324del, p.Arg1776del (NM_001379633.1, NM_001379645.1); c.5175_5177del, p.Arg1727del (NM_001379634.1); c.5172_5174del, p.Arg1726del (NM_001379635.1, NM_001379646.1); and 8 more; short protein forms R1672del, R1683del, R1684del, R1692del, R1693del, R1701del, R1702del, R1709del.
Identifiers: ClinVar variation 3763249 (VCV003763249.2).

ClinVar aggregate classification (germline): Uncertain significance (1 of 4 stars; one submission).

Conditions:
Neuropathy, hereditary sensory, type 2C. Also called: KIF1A-Related HSAN2 (HSAN2C); Hereditary sensory and autonomic neuropathy type IIC. Identifiers: Orphanet 970, MedGen C3280168, MONDO:0013634, OMIM 614213.
Hereditary spastic paraplegia 30. Identifiers: Orphanet 101010, MedGen C5235139, MONDO:0012476.
Intellectual disability, autosomal dominant 9 (NESCAVS). Also called: KIF1A-Related Neurodevelopmental Disorder; NESCAV SYNDROME. Identifiers: Orphanet 662367, MedGen C5393830, MONDO:0013656, OMIM 614255.

Submission:

Labcorp Genetics (formerly Invitae), Labcorp
Classification: Uncertain significance for Hereditary spastic paraplegia 30; Neuropathy, hereditary sensory, type 2C; Intellectual disability, autosomal dominant 9. Last evaluated: 2024-11-05. Review status: criteria provided, single submitter. Criteria: Invitae Variant Classification Sherloc (09022015). Collection method: clinical testing. Allele origin: germline.
Comment: This variant, c.5046_5048del, results in the deletion of 1 amino acid(s) of the KIF1A protein (p.Arg1684del), but otherwise preserves the integrity of the reading frame. This variant is not present in population databases (gnomAD no frequency). This variant has not been reported in the literature in individuals affected with KIF1A-related conditions. In summary, the available evidence is currently insufficient to determine the role of this variant in disease. Therefore, it has been classified as a Variant of Uncertain Significance.